The following is an entry in ClinVar:

ClinVar aggregate classification (germline): Uncertain significance (1 of 4 stars; one submission).

Submission:

Labcorp Genetics (formerly Invitae), Labcorp
Classification: Uncertain significance. Last evaluated: 2023-03-21. Review status: criteria provided, single submitter. Criteria: Invitae Variant Classification Sherloc (09022015). Collection method: clinical testing. Allele origin: germline.
Comment: This sequence change replaces arginine, which is basic and polar, with glutamine, which is neutral and polar, at codon 429 of the COL9A3 protein (p.Arg429Gln). The frequency data for this variant in the population databases is considered unreliable, as metrics indicate poor data quality at this position in the gnomAD database. This variant has not been reported in the literature in individuals affected with COL9A3-related conditions. ClinVar contains an entry for this variant (Variation ID: 1911914). Algorithms developed to predict the effect of missense changes on protein structure and function output the following: SIFT: "Not Available"; PolyPhen-2: "Benign"; Align-GVGD: "Not Available". The glutamine amino acid residue is found in multiple mammalian species, which suggests that this missense change does not adversely affect protein function. In summary, the available evidence is currently insufficient to determine the role of this variant in disease. Therefore, it has been classified as a Variant of Uncertain Significance.

NM_001853.4(COL9A3):c.1286G>A (p.Arg429Gln)

Gene: COL9A3 (collagen type IX alpha 3 chain; plus strand). Cytogenetic location: 20q13.33.
Variant type: single nucleotide variant.
Coding change: c.1286G>A on transcript NM_001853.4 (MANE Select); coding-DNA position 1286, G replaced by A.
Protein change: p.Arg429Gln; replaces arginine 429 with glutamine.
Molecular consequence: missense variant.
Genome position (GRCh38, 1-based): chr20:62,830,587, G>A. VCF-style: chr20-62830587-G-A. GRCh37 (hg19) VCF-style: chr20-61461939-G-A.
Other names: short protein forms R429Q.
Identifiers: ClinVar variation 1911914 (VCV001911914.5), dbSNP rs762887076, ClinGen allele CA9949863.